The following is an entry in ClinVar:

ClinVar aggregate classification (germline): Uncertain significance. Review status: criteria provided, multiple submitters, no conflicts (2 of 4 stars). 2 submissions from 2 submitters: Uncertain significance (2). Last evaluated 2026-01-05.

Allele frequency attached by ClinVar (database versions not stated): gnomAD 0.00013 and 0.00014; 1000 Genomes Project 30x 0.00016; TOPMed 0.00016; 1000 Genomes Project 0.00020; ESP Exome Variant Server 0.00031.
gnomAD v4.1: 81 of 1,613,960 alleles (0.005%); highest among the groups gnomAD compares: Admixed American, 0.03%; no homozygotes.

Submissions (2):

Labcorp Genetics (formerly Invitae), Labcorp
Classification: Uncertain significance. Last evaluated: 2026-01-05. Review status: criteria provided, single submitter. Criteria: Invitae Variant Classification Sherloc (09022015). Collection method: clinical testing. Allele origin: germline.
Comment: This sequence change replaces valine, which is neutral and non-polar, with isoleucine, which is neutral and non-polar, at codon 48 of the GEN1 protein (p.Val48Ile). This variant is present in population databases (rs202068919, gnomAD 0.03%). This variant has not been reported in the literature in individuals affected with GEN1-related conditions. ClinVar contains an entry for this variant (Variation ID: 935263). An algorithm developed to predict the effect of missense changes on protein structure and function (PolyPhen-2) suggests that this variant is likely to be disruptive. In summary, the available evidence is currently insufficient to determine the role of this variant in disease. Therefore, it has been classified as a Variant of Uncertain Significance.

Ambry Genetics
Classification: Uncertain significance. Last evaluated: 2025-03-28. Review status: criteria provided, single submitter. Criteria: Ambry Variant Classification Scheme 2023. Collection method: clinical testing. Allele origin: germline.

NM_001130009.3(GEN1):c.142G>A (p.Val48Ile)

Gene: GEN1 (GEN1 structure-specific endonuclease; plus strand). Cytogenetic location: 2p24.2.
Variant type: single nucleotide variant.
Coding change: c.142G>A on transcript NM_001130009.3 (MANE Select); coding-DNA position 142, G replaced by A.
Protein change: p.Val48Ile; replaces valine 48 with isoleucine.
Molecular consequence: missense variant.
Genome position (GRCh38, 1-based): chr2:17,760,085, G>A. VCF-style: chr2-17760085-G-A. GRCh37 (hg19) VCF-style: chr2-17941352-G-A.
Other names: c.142G>A (NM_001130009.1); c.142G>A, p.Val48Ile (NM_182625.5); short protein forms V48I.
Identifiers: ClinVar variation 935263 (VCV000935263.13), dbSNP rs202068919, ClinGen allele CA1540317.